The following is an entry in ClinVar:

NM_007194.4(CHEK2):c.1210T>C (p.Tyr404His)

Gene: CHEK2 (checkpoint kinase 2; minus strand). Cytogenetic location: 22q12.1.
Variant type: single nucleotide variant.
Coding change: c.1210T>C on transcript NM_007194.4 (MANE Select); coding-DNA position 1210, T replaced by C.
Protein change: p.Tyr404His; replaces tyrosine 404 with histidine.
Molecular consequence: missense variant.
Genome position (GRCh38, 1-based): chr22:28,695,759, A>G on the plus strand (T>C on the coding strand, the complement: CHEK2 is on the minus strand). VCF-style: chr22-28695759-A-G. GRCh37 (hg19) VCF-style: chr22-29091747-A-G.
Other names: c.1339T>C, p.Tyr447His (NM_001005735.3); c.547T>C, p.Tyr183His (NM_001257387.3); c.1009T>C, p.Tyr337His (NM_001349956.3); c.1123T>C, p.Tyr375His (NM_145862.3); short protein forms Y183H, Y447H, Y375H, Y404H, Y337H.
Identifiers: ClinVar variation 835143 (VCV000835143.11), dbSNP rs1555913715, ClinGen allele CA411096737.

ClinVar aggregate classification (germline): Uncertain significance. Review status: criteria provided, multiple submitters, no conflicts (2 of 4 stars). 2 submissions from 2 submitters: Uncertain significance (2). Last evaluated 2025-11-24.

Conditions:
Familial cancer of breast. Also called: hereditary breast carcinoma; BREAST CANCER, FAMILIAL; Hereditary breast cancer. Identifiers: Orphanet 227535, MedGen C0346153, MONDO:0016419, OMIM 114480. Disease mechanism: loss of function.
Hereditary cancer-predisposing syndrome. Also called: Hereditary neoplastic syndrome; Neoplastic Syndromes, Hereditary; Tumor predisposition; Hereditary Cancer Syndrome. Identifiers: Orphanet 140162, MedGen C0027672, MeSH D009386, MONDO:0015356.

Submissions (2):

Ambry Genetics
Classification: Uncertain significance for Hereditary cancer-predisposing syndrome. Last evaluated: 2025-11-24. Review status: criteria provided, single submitter. Criteria: Ambry Variant Classification Scheme 2023. Collection method: clinical testing. Allele origin: germline.
Comment: The p.Y404H variant (also known as c.1210T>C), located in coding exon 10 of the CHEK2 gene, results from a T to C substitution at nucleotide position 1210. The tyrosine at codon 404 is replaced by histidine, an amino acid with similar properties. This amino acid position is conserved. In addition, this alteration is predicted to be deleterious by in silico analysis. Based on the available evidence, the clinical significance of this variant remains unclear.

Labcorp Genetics (formerly Invitae), Labcorp
Classification: Uncertain significance for Familial cancer of breast. Last evaluated: 2023-12-11. Review status: criteria provided, single submitter. Criteria: Invitae Variant Classification Sherloc (09022015). Collection method: clinical testing. Allele origin: germline.
Comment: This sequence change replaces tyrosine, which is neutral and polar, with histidine, which is basic and polar, at codon 404 of the CHEK2 protein (p.Tyr404His). This variant is not present in population databases (gnomAD no frequency). This variant has not been reported in the literature in individuals affected with CHEK2-related conditions. ClinVar contains an entry for this variant (Variation ID: 835143). An algorithm developed to predict the effect of missense changes on protein structure and function (PolyPhen-2) suggests that this variant is likely to be disruptive. In summary, the available evidence is currently insufficient to determine the role of this variant in disease. Therefore, it has been classified as a Variant of Uncertain Significance.